The following is an entry in ClinVar:

NM_001291867.2(NHS):c.309_350del (p.Pro104_Ala117del)

Gene: NHS (NHS actin remodeling regulator; plus strand). Cytogenetic location: Xp22.2.
Variant type: Deletion.
Coding change: c.309_350del on transcript NM_001291867.2 (MANE Select); coding-DNA positions 309 to 350, 42 bases deleted.
Protein change: p.Pro104_Ala117del.
Molecular consequence: inframe deletion.
Genome position (GRCh38, 1-based): chrX:17,376,066-17,376,107, 42 bases deleted; deleting any 42 consecutive bases within chrX:17,376,060-17,376,107 gives the same sequence; the c. name uses the placement nearest the transcript's 3' end. GRCh37 (hg19): chrX:17,394,189-17,394,230.
Other names: c.309_350del, p.Pro104_Ala117del (NM_198270.4).
Identifiers: ClinVar variation 1372562 (VCV001372562.6), dbSNP rs1382204112, ClinGen allele CA640858860.

ClinVar aggregate classification (germline): Uncertain significance (1 of 4 stars; one submission).

Conditions:
Nance-Horan syndrome (NHS). Identifiers: Orphanet 627, MedGen C0796085, MONDO:0010545, OMIM 302350.

Submission:

Labcorp Genetics (formerly Invitae), Labcorp
Classification: Uncertain significance for Nance-Horan syndrome. Last evaluated: 2023-11-27. Review status: criteria provided, single submitter. Criteria: Invitae Variant Classification Sherloc (09022015). Collection method: clinical testing. Allele origin: germline.
Comment: This variant, c.309_350del, results in the deletion of 14 amino acid(s) of the NHS protein (p.Pro104_Ala117del), but otherwise preserves the integrity of the reading frame. This variant is present in population databases (no rsID available, gnomAD 0.01%). This variant has not been reported in the literature in individuals affected with NHS-related conditions. ClinVar contains an entry for this variant (Variation ID: 1372562). Experimental studies and prediction algorithms are not available or were not evaluated, and the functional significance of this variant is currently unknown. In summary, the available evidence is currently insufficient to determine the role of this variant in disease. Therefore, it has been classified as a Variant of Uncertain Significance.